The following is an entry in ClinVar:

NM_001080467.3(MYO5B):c.2214G>T (p.Lys738Asn)

Gene: MYO5B (myosin VB; minus strand). Cytogenetic location: 18q21.1.
Variant type: single nucleotide variant.
Coding change: c.2214G>T on transcript NM_001080467.3 (MANE Select); coding-DNA position 2214, G replaced by T.
Protein change: p.Lys738Asn; replaces lysine 738 with asparagine.
Molecular consequence: missense variant.
Genome position (GRCh38, 1-based): chr18:49,906,619, C>A on the plus strand (G>T on the coding strand, the complement: MYO5B is on the minus strand). VCF-style: chr18-49906619-C-A. GRCh37 (hg19) VCF-style: chr18-47432989-C-A.
Other names: c.2214G>T (NM_001080467.2); short protein forms K738N.
Identifiers: ClinVar variation 1423076 (VCV001423076.7), dbSNP rs375057436, ClinGen allele CA8961154.

ClinVar aggregate classification (germline): Uncertain significance. Review status: criteria provided, multiple submitters, no conflicts (2 of 4 stars). 3 submissions from 3 submitters: Uncertain significance (3). Last evaluated 2026-05-21.

Conditions:
Inborn genetic diseases. Identifiers: MedGen C0950123, MeSH D030342.
MYO5B-related disorder. Also called: MYO5B-related condition.

Allele frequency attached by ClinVar (database versions not stated): ExAC 0.00007; gnomAD exomes 0.00009; gnomAD 0.00013; TOPMed 0.00023; ESP Exome Variant Server 0.00025; 1000 Genomes Project 0.00040; 1000 Genomes Project 30x 0.00047.
gnomAD v4.1: 89 of 1,613,952 alleles (0.0055%); highest among the groups gnomAD compares: African/African-American, 0.027%; no homozygotes.

Submissions (3):

PreventionGenetics, part of Exact Sciences
Classification: Uncertain significance for MYO5B-related condition. Last evaluated: 2026-05-21. Review status: criteria provided, single submitter. Criteria: ACMG Guidelines, 2015. Collection method: clinical testing. Allele origin: germline.
Comment: The MYO5B c.2214G>T variant is predicted to result in the amino acid substitution p.Lys738Asn. To our knowledge, this variant has not been reported in the literature. This variant is reported in 0.034% of alleles in individuals of Latino descent in gnomAD. At this time, the clinical significance of this variant is uncertain due to the absence of conclusive functional and genetic evidence.

Ambry Genetics
Classification: Uncertain significance for Inborn genetic diseases. Last evaluated: 2025-11-07. Review status: criteria provided, single submitter. Criteria: Ambry Variant Classification Scheme 2023. Collection method: clinical testing. Allele origin: germline.

Labcorp Genetics (formerly Invitae), Labcorp
Classification: Uncertain significance. Last evaluated: 2022-09-26. Review status: criteria provided, single submitter. Criteria: Invitae Variant Classification Sherloc (09022015). Collection method: clinical testing. Allele origin: germline.
Comment: This sequence change replaces lysine, which is basic and polar, with asparagine, which is neutral and polar, at codon 738 of the MYO5B protein (p.Lys738Asn). The frequency data for this variant in the population databases is considered unreliable, as metrics indicate poor data quality at this position in the gnomAD database. This variant has not been reported in the literature in individuals affected with MYO5B-related conditions. ClinVar contains an entry for this variant (Variation ID: 1423076). Algorithms developed to predict the effect of missense changes on protein structure and function (SIFT, PolyPhen-2, Align-GVGD) all suggest that this variant is likely to be tolerated. In summary, the available evidence is currently insufficient to determine the role of this variant in disease. Therefore, it has been classified as a Variant of Uncertain Significance.